The following is an entry in ClinVar:

ClinVar aggregate classification (germline): Likely benign (1 of 4 stars; one submission).

Submission:

CeGaT Center for Human Genetics Tuebingen
Classification: Likely benign. Last evaluated: 2023-02-01. Review status: criteria provided, single submitter. Criteria: CeGaT Center For Human Genetics Tuebingen Variant Classification Criteria Version 2. Collection method: clinical testing. Allele origin: germline. Affected: yes. Observed: 1 variant allele.
Comment: TTN: PM2:Supporting, BP4, BP7

NM_001267550.2(TTN):c.51085C>T (p.Leu17029=)

Genes: TTN (titin; minus strand), TTN-AS1 (TTN antisense RNA 1; plus strand). Cytogenetic location: 2q31.2.
Variant type: single nucleotide variant.
Coding change: c.51085C>T on transcript NM_001267550.2 (MANE Select); coding-DNA position 51085, C replaced by T.
Protein change: p.Leu17029=; no amino-acid change (leucine 17029 retained).
Molecular consequence: synonymous variant.
Genome position (GRCh38, 1-based): chr2:178,611,044, G>A on the plus strand (C>T on the coding strand, the complement: TTN is on the minus strand). VCF-style: chr2-178611044-G-A. GRCh37 (hg19) VCF-style: chr2-179475771-G-A.
Other names: c.46162C>T, p.Leu15388= (NM_001256850.1); c.23890C>T, p.Leu7964= (NM_003319.4); c.43381C>T, p.Leu14461= (NM_133378.4); c.24265C>T, p.Leu8089= (NM_133432.3); c.24466C>T, p.Leu8156= (NM_133437.4).
Identifiers: ClinVar variation 2651634 (VCV002651634.24), dbSNP rs1359346262, ClinGen allele CA430103525.